The following is an entry in ClinVar:

ClinVar aggregate classification (germline): Uncertain significance. Review status: criteria provided, multiple submitters, no conflicts (2 of 4 stars). 2 submissions from 2 submitters: Uncertain significance (2). Last evaluated 2025-04-24.

Conditions:
Inborn genetic diseases. Identifiers: MedGen C0950123, MeSH D030342.

Allele frequency attached by ClinVar (database versions not stated): gnomAD exomes below 0.00001; ExAC 0.00001; TOPMed 0.00001.
gnomAD v4.1: 1 of 1,614,208 alleles (0.000062%); highest among the groups gnomAD compares: Admixed American, 0.0017%; no homozygotes.

Submissions (2):

Ambry Genetics
Classification: Uncertain significance for Inborn genetic diseases. Last evaluated: 2025-04-24. Review status: criteria provided, single submitter. Criteria: Ambry Variant Classification Scheme 2023. Collection method: clinical testing. Allele origin: germline.

Labcorp Genetics (formerly Invitae), Labcorp
Classification: Uncertain significance. Last evaluated: 2024-03-17. Review status: criteria provided, single submitter. Criteria: Invitae Variant Classification Sherloc (09022015). Collection method: clinical testing. Allele origin: germline.
Comment: This sequence change replaces serine, which is neutral and polar, with glycine, which is neutral and non-polar, at codon 398 of the RP1 protein (p.Ser398Gly). This variant is present in population databases (rs780818694, gnomAD 0.003%). This variant has not been reported in the literature in individuals affected with RP1-related conditions. Algorithms developed to predict the effect of missense changes on protein structure and function output the following: SIFT: "Not Available"; PolyPhen-2: "Benign"; Align-GVGD: "Not Available". The glycine amino acid residue is found in multiple mammalian species, which suggests that this missense change does not adversely affect protein function. In summary, the available evidence is currently insufficient to determine the role of this variant in disease. Therefore, it has been classified as a Variant of Uncertain Significance.

NM_006269.2(RP1):c.1192A>G (p.Ser398Gly)

Gene: RP1 (RP1 axonemal microtubule associated; plus strand). Cytogenetic location: 8q12.1.
Variant type: single nucleotide variant.
Coding change: c.1192A>G on transcript NM_006269.2 (MANE Select); coding-DNA position 1192, A replaced by G.
Protein change: p.Ser398Gly; replaces serine 398 with glycine.
Molecular consequence: missense variant. On other transcripts: intron variant (1).
Genome position (GRCh38, 1-based): chr8:54,625,074, A>G. VCF-style: chr8-54625074-A-G. GRCh37 (hg19) VCF-style: chr8-55537634-A-G.
Other names: c.787+2786A>G (NM_001375654.1); c.1192A>G (NM_006269.1); short protein forms S398G.
Identifiers: ClinVar variation 2982176 (VCV002982176.4), dbSNP rs780818694, ClinGen allele CA4751334.